The following is an entry in ClinVar:

ClinVar aggregate classification (germline): Uncertain significance (1 of 4 stars; one submission).

Conditions:
Fanconi anemia (FA). Also called: Fanconi's anemia. Identifiers: Orphanet 84, MedGen C0015625, MeSH D005199, MONDO:0019391.

Submission:

Labcorp Genetics (formerly Invitae), Labcorp
Classification: Uncertain significance for Fanconi anemia. Last evaluated: 2022-03-23. Review status: criteria provided, single submitter. Criteria: Invitae Variant Classification Sherloc (09022015). Collection method: clinical testing. Allele origin: germline.
Comment: Algorithms developed to predict the effect of missense changes on protein structure and function are either unavailable or do not agree on the potential impact of this missense change (SIFT: "Deleterious"; PolyPhen-2: "Probably Damaging"; Align-GVGD: "Class C0"). In summary, the available evidence is currently insufficient to determine the role of this variant in disease. Therefore, it has been classified as a Variant of Uncertain Significance. This variant has not been reported in the literature in individuals affected with SLX4-related conditions. This variant is not present in population databases (gnomAD no frequency). This sequence change replaces leucine, which is neutral and non-polar, with phenylalanine, which is neutral and non-polar, at codon 650 of the SLX4 protein (p.Leu650Phe).

NM_032444.4(SLX4):c.1948C>T (p.Leu650Phe)

Gene: SLX4 (SLX4 structure-specific endonuclease subunit; minus strand). Cytogenetic location: 16p13.3.
Variant type: single nucleotide variant.
Coding change: c.1948C>T on transcript NM_032444.4 (MANE Select); coding-DNA position 1948, C replaced by T.
Protein change: p.Leu650Phe; replaces leucine 650 with phenylalanine.
Molecular consequence: missense variant.
Genome position (GRCh38, 1-based): chr16:3,595,670, G>A on the plus strand (C>T on the coding strand, the complement: SLX4 is on the minus strand). VCF-style: chr16-3595670-G-A. GRCh37 (hg19) VCF-style: chr16-3645671-G-A.
Other names: short protein forms L650F.
Identifiers: ClinVar variation 2178152 (VCV002178152.4), dbSNP rs2548217238, ClinGen allele CA394526725.